The following is an entry in ClinVar:

NM_001353345.2(SETD1B):c.1264G>A (p.Ala422Thr)

Gene: SETD1B (SET domain containing 1B, histone lysine methyltransferase; plus strand). Cytogenetic location: 12q24.31.
Variant type: single nucleotide variant.
Coding change: c.1264G>A on transcript NM_001353345.2 (MANE Select); coding-DNA position 1264, G replaced by A.
Protein change: p.Ala422Thr; replaces alanine 422 with threonine.
Molecular consequence: missense variant.
Genome position (GRCh38, 1-based): chr12:121,810,209, G>A. VCF-style: chr12-121810209-G-A. GRCh37 (hg19) VCF-style: chr12-122248115-G-A.
Other names: NM_015048.1:c.1264G>A; short protein forms A422T.
Identifiers: ClinVar variation 2390874 (VCV002390874.3), dbSNP rs1053334998, ClinGen allele CA244636445.

ClinVar aggregate classification (germline): Likely benign. Review status: criteria provided, multiple submitters, no conflicts (2 of 4 stars). 2 submissions from 2 submitters: Likely benign (2). Last evaluated 2026-09-01.

Conditions:
Inborn genetic diseases. Identifiers: MedGen C0950123, MeSH D030342.

Allele frequency attached by ClinVar (database versions not stated): gnomAD exomes 0.00003; gnomAD 0.00006; TOPMed 0.00013; 1000 Genomes Project 30x 0.00031.
gnomAD v4.1: 26 of 1,549,474 alleles (0.0017%); highest among the groups gnomAD compares: Admixed American, 0.047%; no homozygotes.

Submissions (2):

CeGaT Center for Human Genetics Tuebingen
Classification: Likely benign. Last evaluated: 2026-09-01. Review status: criteria provided, single submitter. Criteria: CeGaT Center For Human Genetics Tuebingen Variant Classification Criteria Version 2. Collection method: clinical testing. Allele origin: germline. Affected: yes. Observed: 1 variant allele.
Comment: SETD1B: BP4, BS2

Ambry Genetics
Classification: Likely benign for Inborn genetic diseases. Last evaluated: 2022-09-22. Review status: criteria provided, single submitter. Criteria: Ambry Variant Classification Scheme 2023. Collection method: clinical testing. Allele origin: germline.